The following is an entry in ClinVar:

ClinVar aggregate classification (germline): Uncertain significance (1 of 4 stars; one submission).

Allele frequency attached by ClinVar (database versions not stated): TOPMed below 0.00001; ExAC 0.00001; gnomAD 0.00001.
gnomAD v4.1: 27 of 1,610,746 alleles (0.0017%); highest among the groups gnomAD compares: Non-Finnish European, 0.002%; no homozygotes.

Submission:

Labcorp Genetics (formerly Invitae), Labcorp
Classification: Uncertain significance. Last evaluated: 2023-10-29. Review status: criteria provided, single submitter. Criteria: Invitae Variant Classification Sherloc (09022015). Collection method: clinical testing. Allele origin: germline.
Comment: This sequence change replaces glycine, which is neutral and non-polar, with arginine, which is basic and polar, at codon 15 of the PFN1 protein (p.Gly15Arg). This variant is present in population databases (rs775379304, gnomAD 0.003%). This variant has not been reported in the literature in individuals affected with PFN1-related conditions. Algorithms developed to predict the effect of missense changes on protein structure and function output the following: SIFT: "Not Available"; PolyPhen-2: "Benign"; Align-GVGD: "Not Available". The arginine amino acid residue is found in multiple mammalian species, which suggests that this missense change does not adversely affect protein function. In summary, the available evidence is currently insufficient to determine the role of this variant in disease. Therefore, it has been classified as a Variant of Uncertain Significance.

NM_005022.4(PFN1):c.43G>A (p.Gly15Arg)

Gene: PFN1 (profilin 1; minus strand). Cytogenetic location: 17p13.2.
Variant type: single nucleotide variant.
Coding change: c.43G>A on transcript NM_005022.4 (MANE Select); coding-DNA position 43, G replaced by A.
Protein change: p.Gly15Arg; replaces glycine 15 with arginine.
Molecular consequence: missense variant.
Genome position (GRCh38, 1-based): chr17:4,948,352, C>T on the plus strand (G>A on the coding strand, the complement: PFN1 is on the minus strand). VCF-style: chr17-4948352-C-T. GRCh37 (hg19) VCF-style: chr17-4851647-C-T.
Other names: c.43G>A, p.Gly15Arg (NM_001375991.1); short protein forms G15R.
Identifiers: ClinVar variation 2971026 (VCV002971026.3), dbSNP rs775379304, ClinGen allele CA8315989.